The following is an entry in ClinVar:

ClinVar aggregate classification (germline): Uncertain significance (1 of 4 stars; one submission).

Submission:

CeGaT Center for Human Genetics Tuebingen
Classification: Uncertain significance. Last evaluated: 2025-07-01. Review status: criteria provided, single submitter. Criteria: CeGaT Center For Human Genetics Tuebingen Variant Classification Criteria Version 2. Collection method: clinical testing. Allele origin: germline. Affected: yes. Observed: 2 variant alleles.
Comment: SPTBN1: PM2, PVS1:Moderate

NM_003128.3(SPTBN1):c.1855del (p.Cys619fs)

Gene: SPTBN1 (spectrin beta, non-erythrocytic 1; plus strand). Cytogenetic location: 2p16.2.
Variant type: Deletion.
Coding change: c.1855del on transcript NM_003128.3 (MANE Select); coding-DNA position 1855, one base deleted (T; older notation c.1855delT).
Protein change: p.Cys619fs; shifts the reading frame from cysteine 619.
Molecular consequence: frameshift variant.
Genome position (GRCh38, 1-based): chr2:54,628,989, T deleted. VCF-style (leftmost placement, unchanged base first): chr2-54628988-CT-C. GRCh37 (hg19) VCF-style: chr2-54856125-CT-C.
Other names: c.1816del, p.Cys606fs (NM_178313.3); short protein forms C606fs, C619fs.
Identifiers: ClinVar variation 4085384 (VCV004085384.8).
Genomic context (GRCh38, chr2:54,628,988, plus strand): 5'-AACAGGTTACAAGCCCTGTGACCCCCAGGTGATCCGAGACCGCGTGGCCCACATGGAGTT[CT>C]GTTATCAAGAGCTTTGCCAGCTGGCGGCTGAGCGCAGGGCCCGTCTGGAAGAGTCCCGCC-3'